The following is an entry in ClinVar:

ClinVar aggregate classification (germline): Conflicting classifications of pathogenicity. Review status: criteria provided, conflicting classifications (1 of 4 stars). 2 submissions from 2 submitters: Uncertain significance (1); Likely benign (1). Last evaluated 2025-01-13.

Conditions:
Inborn genetic diseases. Identifiers: MedGen C0950123, MeSH D030342.

Allele frequency attached by ClinVar (database versions not stated): gnomAD exomes below 0.00001 and 0.00001; TOPMed 0.00001.
gnomAD v4.1: 18 of 1,614,054 alleles (0.0011%); highest among the groups gnomAD compares: Non-Finnish European, 0.0015%; no homozygotes.

Submissions (2):

Labcorp Genetics (formerly Invitae), Labcorp
Classification: Likely benign. Last evaluated: 2025-01-13. Review status: criteria provided, single submitter. Criteria: Invitae Variant Classification Sherloc (09022015). Collection method: clinical testing. Allele origin: germline.

Ambry Genetics
Classification: Uncertain significance for Inborn genetic diseases. Last evaluated: 2016-07-06. Review status: criteria provided, single submitter. Criteria: Ambry Variant Classification Scheme 2023. Collection method: clinical testing. Allele origin: germline.
Comment: The p.R366Q variant (also known as c.1097G>A), located in coding exon 6 of the KAT6A gene, results from a G to A substitution at nucleotide position 1097. The arginine at codon 366 is replaced by glutamine, an amino acid with highly similar properties. This variant was not reported in population based cohorts in the following databases: Database of Single Nucleotide Polymorphisms (dbSNP), NHLBI Exome Sequencing Project (ESP), and 1000 Genomes Project. In the ESP, this variant was not observed in 6503 samples (13006 alleles) with coverage at this position. This amino acid position is highly conserved in available vertebrate species. In addition, the in silico prediction for this alteration is inconclusive. Since supporting evidence is limited at this time, the clinical significance of this alteration remains unclear.

NM_006766.5(KAT6A):c.1097G>A (p.Arg366Gln)

Gene: KAT6A (lysine acetyltransferase 6A; minus strand). Cytogenetic location: 8p11.21.
Variant type: single nucleotide variant.
Coding change: c.1097G>A on transcript NM_006766.5 (MANE Select); coding-DNA position 1097, G replaced by A.
Protein change: p.Arg366Gln; replaces arginine 366 with glutamine.
Molecular consequence: missense variant.
Genome position (GRCh38, 1-based): chr8:41,977,274, C>T on the plus strand (G>A on the coding strand, the complement: KAT6A is on the minus strand). VCF-style: chr8-41977274-C-T. GRCh37 (hg19) VCF-style: chr8-41834792-C-T.
Other names: c.1097G>A, p.Arg366Gln (NM_001305878.2); short protein forms R366Q.
Identifiers: ClinVar variation 588013 (VCV000588013.8), dbSNP rs1181854686, ClinGen allele CA371076429.